The following is an entry in ClinVar:

NM_020884.7(MYH7B):c.*1C>T

Gene: MYH7B (myosin heavy chain 7B; plus strand). Cytogenetic location: 20q11.22.
Variant type: single nucleotide variant.
Coding change: c.*1C>T on transcript NM_020884.7 (MANE Select); 1 bases downstream of the stop codon, C replaced by T.
Molecular consequence: 3 prime UTR variant.
Genome position (GRCh38, 1-based): chr20:35,002,189, C>T. VCF-style: chr20-35002189-C-T. GRCh37 (hg19) VCF-style: chr20-33589992-C-T.
Identifiers: ClinVar variation 4986199 (VCV004986199.1).

ClinVar aggregate classification (germline): Likely benign (1 of 4 stars; one submission).

Conditions:
MYH7B-related disorder. Also called: MYH7B-related condition.

gnomAD v4.1: 1,422 of 1,537,846 alleles (0.092%); highest among the groups gnomAD compares: Non-Finnish European, 0.077%; 5 homozygotes.

Submission:

PreventionGenetics, part of Exact Sciences
Classification: Likely benign for MYH7B-related condition. Last evaluated: 2024-12-31. Review status: criteria provided, single submitter. Criteria: ACMG Guidelines, 2015. Collection method: clinical testing. Allele origin: germline.
Comment: This variant is classified as likely benign based on ACMG/AMP sequence variant interpretation guidelines (Richards et al. 2015 PMID: 25741868, with internal and published modifications).